The following is an entry in ClinVar:

NM_001374736.1(DST):c.12665A>G (p.His4222Arg)

Gene: DST (dystonin; minus strand). Cytogenetic location: 6p12.1.
Variant type: single nucleotide variant.
Coding change: c.12665A>G on transcript NM_001374736.1 (MANE Select); coding-DNA position 12665, A replaced by G.
Protein change: p.His4222Arg; replaces histidine 4222 with arginine.
Molecular consequence: missense variant.
Genome position (GRCh38, 1-based): chr6:56,593,724, T>C on the plus strand (A>G on the coding strand, the complement: DST is on the minus strand). VCF-style: chr6-56593724-T-C. GRCh37 (hg19) VCF-style: chr6-56458522-T-C.
Other names: c.6308A>G, p.His2103Arg (NM_001144769.5); c.5894A>G, p.His1965Arg (NM_001144770.2); c.12665A>G, p.His4222Arg (NM_001374722.1); c.12032A>G, p.His4011Arg (NM_001374729.1); c.5774A>G, p.His1925Arg (NM_001374730.1, NM_001386100.1, NM_183380.4); c.12692A>G, p.His4231Arg (NM_001374734.1); c.4796A>G, p.His1599Arg (NM_015548.5); short protein forms H1599R, H4231R, H2103R, H1965R, H1925R, H4011R, H4222R.
Identifiers: ClinVar variation 1752759 (VCV001752759.4), dbSNP rs767667932, ClinGen allele CA3868423.

ClinVar aggregate classification (germline): Uncertain significance. Review status: criteria provided, multiple submitters, no conflicts (2 of 4 stars). 2 submissions from 2 submitters: Uncertain significance (2). Last evaluated 2022-06-23.

Conditions:
Inborn genetic diseases. Identifiers: MedGen C0950123, MeSH D030342.
Epidermolysis bullosa simplex 3, localized or generalized intermediate, with BP230 deficiency (EBS3). Also called: Epidermolysis bullosa simplex due to BP230 deficiency; Epidermolysis bullosa simplex, autosomal recessive 2. Identifiers: Orphanet 412181, MedGen C3809470, MONDO:0014180, OMIM 615425.
Hereditary sensory and autonomic neuropathy type 6. Also called: HSAN VI; Neuropathy, hereditary sensory and autonomic, type VI. Identifiers: Orphanet 314381, MedGen C3539003, MONDO:0013839, OMIM 614653.

Allele frequency attached by ClinVar (database versions not stated): TOPMed below 0.00001; ExAC 0.00001; gnomAD 0.00001; gnomAD exomes 0.00001.
gnomAD v4.1: 17 of 1,613,634 alleles (0.0011%); highest among the groups gnomAD compares: Non-Finnish European, 0.0013%; no homozygotes.

Submissions (2):

Labcorp Genetics (formerly Invitae), Labcorp
Classification: Uncertain significance for Epidermolysis bullosa simplex 3, localized or generalized intermediate, with BP230 deficiency; Hereditary sensory and autonomic neuropathy type 6. Last evaluated: 2022-06-23. Review status: criteria provided, single submitter. Criteria: Invitae Variant Classification Sherloc (09022015). Collection method: clinical testing. Allele origin: germline.
Comment: The DST gene has multiple clinically relevant transcripts. This variant occurs in alternate transcript NM_015548.4, and corresponds to NM_001723.5:c.*21793A>G in the primary transcript. This sequence change replaces histidine, which is basic and polar, with arginine, which is basic and polar, at codon 1599 of the DST protein (p.His1599Arg). This variant is present in population databases (rs767667932, gnomAD 0.002%). This variant has not been reported in the literature in individuals affected with DST-related conditions. Experimental studies and prediction algorithms are not available or were not evaluated, and the functional significance of this variant is currently unknown. In summary, the available evidence is currently insufficient to determine the role of this variant in disease. Therefore, it has been classified as a Variant of Uncertain Significance.

Ambry Genetics
Classification: Uncertain significance for Inborn genetic diseases. Last evaluated: 2021-02-26. Review status: criteria provided, single submitter. Criteria: Ambry Variant Classification Scheme 2023. Collection method: clinical testing. Allele origin: germline.
Comment: The p.H2103R variant (also known as c.6308A>G), located in coding exon 42 of the DST gene, results from an A to G substitution at nucleotide position 6308. The histidine at codon 2103 is replaced by arginine, an amino acid with highly similar properties. This amino acid position is not well conserved in available vertebrate species. In addition, this alteration is predicted to be tolerated by in silico analysis. Since supporting evidence is limited at this time, the clinical significance of this alteration remains unclear.